The following is an entry in ClinVar:

NM_144643.4(SCLT1):c.1820A>G (p.Asn607Ser)

Gene: SCLT1 (sodium channel and clathrin linker 1; minus strand). Cytogenetic location: 4q28.2.
Variant type: single nucleotide variant.
Coding change: c.1820A>G on transcript NM_144643.4 (MANE Select); coding-DNA position 1820, A replaced by G.
Protein change: p.Asn607Ser; replaces asparagine 607 with serine.
Molecular consequence: missense variant.
Genome position (GRCh38, 1-based): chr4:128,936,664, T>C on the plus strand (A>G on the coding strand, the complement: SCLT1 is on the minus strand). VCF-style: chr4-128936664-T-C. GRCh37 (hg19) VCF-style: chr4-129857819-T-C.
Other names: short protein forms N607S.
Identifiers: ClinVar variation 1925853 (VCV001925853.5), dbSNP rs1320943184, ClinGen allele CA358183457.

ClinVar aggregate classification (germline): Uncertain significance. Review status: criteria provided, multiple submitters, no conflicts (2 of 4 stars). 2 submissions from 2 submitters: Uncertain significance (2). Last evaluated 2022-06-22.

Allele frequency attached by ClinVar (database versions not stated): gnomAD exomes below 0.00001; TOPMed below 0.00001; gnomAD 0.00001.
gnomAD v4.1: 7 of 1,588,884 alleles (0.00044%); highest among the groups gnomAD compares: East Asian, 0.0022%; no homozygotes.

Submissions (2):

Labcorp Genetics (formerly Invitae), Labcorp
Classification: Uncertain significance. Last evaluated: 2022-06-22. Review status: criteria provided, single submitter. Criteria: Invitae Variant Classification Sherloc (09022015). Collection method: clinical testing. Allele origin: germline.
Comment: This sequence change replaces asparagine, which is neutral and polar, with serine, which is neutral and polar, at codon 607 of the SCLT1 protein (p.Asn607Ser). This variant is present in population databases (no rsID available, gnomAD 0.01%). This variant has not been reported in the literature in individuals affected with SCLT1-related conditions. Algorithms developed to predict the effect of missense changes on protein structure and function output the following: SIFT: "Tolerated"; PolyPhen-2: "Benign"; Align-GVGD: "Class C0". The serine amino acid residue is found in multiple mammalian species, which suggests that this missense change does not adversely affect protein function. In summary, the available evidence is currently insufficient to determine the role of this variant in disease. Therefore, it has been classified as a Variant of Uncertain Significance.

Breakthrough Genomics
Classification: Uncertain significance. Review status: criteria provided, single submitter. Criteria: ACMG Guidelines, 2015. Collection method: not provided. Allele origin: germline. Inheritance: Unknown mechanism. Affected: yes.